The following is an entry in ClinVar:

ClinVar aggregate classification (germline): Uncertain significance. Review status: criteria provided, multiple submitters, no conflicts (2 of 4 stars). 2 submissions from 2 submitters: Uncertain significance (2). Last evaluated 2025-08-08.

Conditions:
Inborn genetic diseases. Identifiers: MedGen C0950123, MeSH D030342.
3-hydroxyisobutyryl-CoA hydrolase deficiency. Also called: METHACRYLIC ACID TOXICITY; METHACRYLIC ACIDURIA; VALINE METABOLIC DEFECT; HIBCH DEFICIENCY; Reduced circulating 3-hydroxyisobutyryl-CoA hydrolase activity; Deficiency of 3-hydroxyisobutyryl CoA hydrolase. Identifiers: Orphanet 88639, MedGen C0342738, MONDO:0009603, OMIM 250620, HP:6000215.

Allele frequency attached by ClinVar (database versions not stated): ExAC 0.00004; gnomAD exomes 0.00004 and 0.00016; ESP Exome Variant Server 0.00008; gnomAD 0.00012; TOPMed 0.00012.
gnomAD v4.1: 239 of 1,584,322 alleles (0.015%); highest among the groups gnomAD compares: Non-Finnish European, 0.02%; no homozygotes.

Submissions (2):

Ambry Genetics
Classification: Uncertain significance for Inborn genetic diseases. Last evaluated: 2025-08-08. Review status: criteria provided, single submitter. Criteria: Ambry Variant Classification Scheme 2023. Collection method: clinical testing. Allele origin: germline.

Labcorp Genetics (formerly Invitae), Labcorp
Classification: Uncertain significance for 3-hydroxyisobutyryl-CoA hydrolase deficiency. Last evaluated: 2022-04-04. Review status: criteria provided, single submitter. Criteria: Invitae Variant Classification Sherloc (09022015). Collection method: clinical testing. Allele origin: germline.
Comment: This sequence change replaces methionine, which is neutral and non-polar, with threonine, which is neutral and polar, at codon 265 of the HIBCH protein (p.Met265Thr). This variant is present in population databases (rs201049927, gnomAD 0.01%). This variant has not been reported in the literature in individuals affected with HIBCH-related conditions. ClinVar contains an entry for this variant (Variation ID: 642439). Algorithms developed to predict the effect of missense changes on protein structure and function are either unavailable or do not agree on the potential impact of this missense change (SIFT: "Deleterious"; PolyPhen-2: "Benign"; Align-GVGD: "Class C45"). In summary, the available evidence is currently insufficient to determine the role of this variant in disease. Therefore, it has been classified as a Variant of Uncertain Significance.

NM_014362.4(HIBCH):c.794T>C (p.Met265Thr)

Gene: HIBCH (3-hydroxyisobutyryl-CoA hydrolase; minus strand). Cytogenetic location: 2q32.2.
Variant type: single nucleotide variant.
Coding change: c.794T>C on transcript NM_014362.4 (MANE Select); coding-DNA position 794, T replaced by C.
Protein change: p.Met265Thr; replaces methionine 265 with threonine.
Molecular consequence: missense variant.
Genome position (GRCh38, 1-based): chr2:190,246,169, A>G on the plus strand (T>C on the coding strand, the complement: HIBCH is on the minus strand). VCF-style: chr2-190246169-A-G. GRCh37 (hg19) VCF-style: chr2-191110895-A-G.
Other names: c.794T>C, p.Met265Thr (NM_198047.3); short protein forms M265T.
Identifiers: ClinVar variation 642439 (VCV000642439.7), dbSNP rs201049927, ClinGen allele CA2027498.
Genomic context (GRCh38, chr2:190,246,169, plus strand): 5'-TAGTCTTTCTAAAGGAATATATAACTGAGATCTCTTTTTAGGTACCTGTTTATTTTGTCC[A>G]TGTGTTCCTCAAGTATAAAAGACTTGTCTCGATCAATCTTAGACTGTTTGAAAAGAAAAA-3'
Protein context (NP_055177.2, residues 255-275): RDKSFILEEH[Met265Thr]DKINSCFSAN